The following is an entry in ClinVar:

NM_000235.4(LIPA):c.1085A>G (p.Asn362Ser)

Gene: LIPA (lipase A, lysosomal acid type; minus strand). Cytogenetic location: 10q23.31.
Variant type: single nucleotide variant.
Coding change: c.1085A>G on transcript NM_000235.4 (MANE Select); coding-DNA position 1085, A replaced by G.
Protein change: p.Asn362Ser; replaces asparagine 362 with serine.
Molecular consequence: missense variant.
Genome position (GRCh38, 1-based): chr10:89,214,943, T>C on the plus strand (A>G on the coding strand, the complement: LIPA is on the minus strand). VCF-style: chr10-89214943-T-C. GRCh37 (hg19) VCF-style: chr10-90974700-T-C.
Other names: c.1085A>G, p.Asn362Ser (NM_001127605.3); c.737A>G, p.Asn246Ser (NM_001288979.2); short protein forms N246S, N362S.
Identifiers: ClinVar variation 2451676 (VCV002451676.2), dbSNP rs2495555081, ClinGen allele CA377516181.

ClinVar aggregate classification (germline): Uncertain significance (1 of 4 stars; one submission).

Conditions:
Cardiovascular phenotype. Identifiers: MedGen CN230736.

Allele frequency attached by ClinVar (database versions not stated): gnomAD exomes below 0.00001.
gnomAD v4.1: 1 of 1,614,122 alleles (0.000062%); highest among the groups gnomAD compares: African/African-American, 0.0013%; no homozygotes.

Submission:

Ambry Genetics
Classification: Uncertain significance for Cardiovascular phenotype. Last evaluated: 2022-11-07. Review status: criteria provided, single submitter. Criteria: Ambry Variant Classification Scheme 2023. Collection method: clinical testing. Allele origin: germline.
Comment: The p.N362S variant (also known as c.1085A>G), located in coding exon 9 of the LIPA gene, results from an A to G substitution at nucleotide position 1085. The asparagine at codon 362 is replaced by serine, an amino acid with highly similar properties. This amino acid position is conserved. In addition, this alteration is predicted to be tolerated by in silico analysis. Since supporting evidence is limited at this time, the clinical significance of this alteration remains unclear.